The following is an entry in ClinVar:

NM_000466.3(PEX1):c.2391_2392del (p.Arg798fs)

Gene: PEX1 (peroxisomal biogenesis factor 1; minus strand). Cytogenetic location: 7q21.2.
Variant type: Microsatellite.
Coding change: c.2391_2392del on transcript NM_000466.3 (MANE Select); coding-DNA positions 2391 to 2392, 2 bases deleted (TC; older notation c.2391_2392delTC).
Protein change: p.Arg798fs; shifts the reading frame from arginine 798.
Molecular consequence: frameshift variant.
Genome position (GRCh38, 1-based): chr7:92,501,914-92,501,915, GA deleted on the plus strand (TC on the coding strand, the reverse complement: PEX1 is on the minus strand); deleting any 2 consecutive bases within chr7:92,501,914-92,501,920 gives the same sequence; the c. name uses the placement nearest the transcript's 3' end. VCF-style (leftmost placement, unchanged base first): chr7-92501913-CGA-C. GRCh37 (hg19) VCF-style: chr7-92131227-CGA-C.
Other names: c.2391_2392del (NM_000466.2); c.2220_2221del, p.Arg741fs (NM_001282677.2); c.1767_1768del, p.Arg590fs (NM_001282678.2); short protein forms R798fs, R590fs, R741fs.
Identifiers: ClinVar variation 188851 (VCV000188851.26), dbSNP rs61750414, ClinGen allele CA274039.

ClinVar aggregate classification (germline): Pathogenic/Likely pathogenic. Review status: criteria provided, multiple submitters, no conflicts (2 of 4 stars). 10 submissions from 10 submitters: Pathogenic (8); Likely pathogenic (1). 1 of the submissions does not count toward it. Last evaluated 2025-11-07.

Conditions:
Zellweger spectrum disorders (ZS). Also called: Zellweger Spectrum Disorder; Zellweger Spectrum; Zellweger syndrome; Zellweger Spectrum Disorder (ZSD). Identifiers: Orphanet 912, MedGen C0043459, MONDO:0019609.
PEX1-related disorder. Also called: PEX1-related condition.
Heimler syndrome 1 (HMLR1). Also called: PEROXISOME BIOGENESIS DISORDER 1C. Identifiers: Orphanet 3220, MedGen C4551980, OMIM 234580, MONDO:0024544.
Peroxisome biogenesis disorder 1B (PBD1B). Also called: Refsum disease, infantile form; Infantile Refsum disease; Infantile form of phytanic acid storage disease; PEROXISOME BIOGENESIS DISORDER (NEONATAL ADRENOLEUKODYSTROPHY/INFANTILE REFSUM DISEASE); INFANTILE PHYTANIC ACID STORAGE DISEASE; PEROXISOME BIOGENESIS DISORDER (NALD/IRD). Identifiers: Orphanet 44, MedGen C0282527, MONDO:0011101, OMIM 601539.
Peroxisome biogenesis disorder 1A (Zellweger) (PBD1A). Also called: Zellweger leukodystrophy; Peroxisome biogenesis disorder 1a. Identifiers: MedGen C4721541, MONDO:0008953, OMIM 214100.
Peroxisome biogenesis disorder. Identifiers: Orphanet 79189, MedGen C1832200, MONDO:0019234. Disease mechanism: loss of function.

Submissions (10):

PreventionGenetics, part of Exact Sciences
Classification: Pathogenic for PEX1-related condition. Last evaluated: 2025-11-07. Review status: criteria provided, single submitter. Criteria: ACMG Guidelines, 2015. Collection method: clinical testing. Allele origin: germline.
Comment: The PEX1 c.2391_2392delTC variant is predicted to result in a frameshift and premature protein termination (p.Arg798Serfs*35). This variant was reported in the homozygous and compound heterozygous states in two individuals with Zellweger syndrome (Maxwell et al. 2005. PubMed ID: 16088892; Liang et al. 2023. PubMed ID: 37385119). This variant is reported in 0.011% of alleles in individuals of East Asian descent in gnomAD. Frameshift variants in PEX1 are expected to be pathogenic. This variant is interpreted as pathogenic.

Labcorp Genetics (formerly Invitae), Labcorp
Classification: Pathogenic for Zellweger spectrum disorders. Last evaluated: 2025-06-25. Review status: criteria provided, single submitter. Criteria: Invitae Variant Classification Sherloc (09022015). Collection method: clinical testing. Allele origin: germline.
Comment: This sequence change creates a premature translational stop signal (p.Arg798Serfs*35) in the PEX1 gene. It is expected to result in an absent or disrupted protein product. Loss-of-function variants in PEX1 are known to be pathogenic (PMID: 21031596, 26387595, 31831025). This variant is present in population databases (rs61750414, gnomAD 0.01%). This premature translational stop signal has been observed in individual(s) with Zellweger syndrome (PMID: 16088892). ClinVar contains an entry for this variant (Variation ID: 188851). For these reasons, this variant has been classified as Pathogenic.

Natera, Inc.
Classification: Pathogenic for Zellweger syndrome. Last evaluated: 2025-06-02. Review status: criteria provided, single submitter. Criteria: Natera Variant Classification Schema (03/2026). Collection method: clinical testing. Allele origin: germline.
Comment: The c.2391_2392delTC variant in PEX1 is a frameshift variant predicted to shift the reading frame beginning at codon 798 and leads to a stop codon 35 codons downstream. This variant is expected to result in nonsense mediated decay, truncation, or a dysfunctional protein product. This variant is rare in the general population with a frequency below the threshold expected for the associated phenotype(s). This variant has been observed in one or more individuals affected with the associated recessive disease, as either homozygous or compound heterozygous with a second variant (PMID: 36046390, 16088892). Given the available evidence, this variant is classified as Pathogenic.

Fulgent Genetics
Classification: Pathogenic for Peroxisome biogenesis disorder 1A (Zellweger); Heimler syndrome 1; Peroxisome biogenesis disorder 1B. Last evaluated: 2024-04-16. Review status: criteria provided, single submitter. Criteria: ACMG Guidelines, 2015. Collection method: clinical testing. Allele origin: germline.

Baylor Genetics
Classification: Pathogenic for Heimler syndrome 1. Last evaluated: 2024-03-28. Review status: criteria provided, single submitter. Criteria: ACMG Guidelines, 2015. Collection method: clinical testing. Allele origin: unknown.

Department of Pathology and Laboratory Medicine, Sinai Health System
Classification: Pathogenic for Peroxisome biogenesis disorder 1A (Zellweger); Heimler syndrome 1; Peroxisome biogenesis disorder 1B. Last evaluated: 2023-10-17. Review status: criteria provided, single submitter. Criteria: ACMG Guidelines, 2015. Collection method: research. Allele origin: germline.

Blueprint Genetics
Classification: Likely pathogenic for PEX1-related disorders. Last evaluated: 2022-02-15. Review status: criteria provided, single submitter. Criteria: ACMG Guidelines, 2015. Collection method: clinical testing. Allele origin: germline. Affected: yes. Observed: 1 variant allele.

Women's Health and Genetics/Laboratory Corporation of America, LabCorp
Classification: Pathogenic for Peroxisome biogenesis disorders, Zellweger syndrome spectrum. Last evaluated: 2020-06-16. Review status: criteria provided, single submitter. Criteria: LabCorp Variant Classification Summary - May 2015. Collection method: clinical testing. Allele origin: germline.
Comment: Variant summary: PEX1 c.2391_2392delTC (p.Arg798SerfsX35) results in a premature termination codon, predicted to cause a truncation of the encoded protein or absence of the protein due to nonsense mediated decay, which are commonly known mechanisms for disease. Truncations downstream of this position have been classified as pathogenic by our laboratory. The variant allele was found at a frequency of 8e-06 in 251226 control chromosomes. c.2391_2392delTC has been reported in the literature in at-least one individual affected with Zellweger Syndrome and has been subsequently cited by others (example, Maxwell_2005, Crane_2005, Ebberink_2011). To our knowledge, no experimental evidence demonstrating an impact on protein function has been reported. One clinical diagnostic laboratory has submitted clinical-significance assessments for this variant to ClinVar after 2014 without evidence for independent evaluation and classified the variant as pathogenic. Based on the evidence outlined above, the variant was classified as pathogenic.

Juno Genomics, Hangzhou Juno Genomics, Inc
Classification: Pathogenic for Heimler syndrome 1; Peroxisome biogenesis disorder 1A (Zellweger); Peroxisome biogenesis disorder 1B. Review status: criteria provided, single submitter. Criteria: ACMG Guidelines, 2015. Collection method: clinical testing. Allele origin: germline.
Comment: Absent from controls (or at extremely low frequency if recessive) in Genome Aggregation Database.;Null variant in a gene where loss of function (LOF) is a known mechanism of disease.;For recessive disorders, detected in trans with a pathogenic variant.;Patient's phenotype or family history is highly specific for a disease with a single genetic etiology.

Counsyl
Classification: Likely pathogenic for Zellweger syndrome. Last evaluated: 2014-06-25. Review status: no assertion criteria provided. Collection method: literature only. Allele origin: unknown. Inheritance: Autosomal recessive inheritance. Not counted in ClinVar's aggregate classification.

Literature cited by the submitters: PubMed 21031596 (cited by Labcorp Genetics (formerly Invitae), Labcorp and Women's Health and Genetics/Laboratory Corporation of America, LabCorp); PubMed 26387595 (cited by Labcorp Genetics (formerly Invitae), Labcorp); PubMed 31831025 (cited by Labcorp Genetics (formerly Invitae), Labcorp); PubMed 16088892 (cited by 4 submitters); PubMed 36046390 (cited by Natera, Inc.); PubMed 16086329 (cited by Women's Health and Genetics/Laboratory Corporation of America, LabCorp).